The following is an entry in ClinVar:

NM_002474.3(MYH11):c.4538T>C (p.Met1513Thr)

Genes: MYH11 (myosin heavy chain 11; minus strand), NDE1 (nudE neurodevelopment protein 1; plus strand). Cytogenetic location: 16p13.11.
Variant type: single nucleotide variant.
Coding change: c.4538T>C on transcript NM_002474.3 (MANE Select); coding-DNA position 4538, T replaced by C.
Protein change: p.Met1513Thr; replaces methionine 1513 with threonine.
Molecular consequence: missense variant. On other transcripts: intron variant (2).
Genome position (GRCh38, 1-based): chr16:15,721,462, A>G on the plus strand (T>C on the coding strand, the complement: MYH11 is on the minus strand). VCF-style: chr16-15721462-A-G. GRCh37 (hg19) VCF-style: chr16-15815319-A-G.
Other names: c.4559T>C, p.Met1520Thr (NM_001040113.2, NM_001040114.2); c.4538T>C, p.Met1513Thr (NM_022844.3); c.948-2729A>G (NM_001143979.2, NM_017668.3); short protein forms M1513T, M1520T.
Identifiers: ClinVar variation 4681934 (VCV004681934.5).

ClinVar aggregate classification (germline): Uncertain significance (1 of 4 stars; one submission).

Submission:

CeGaT Center for Human Genetics Tuebingen
Classification: Uncertain significance. Last evaluated: 2025-12-01. Review status: criteria provided, single submitter. Criteria: CeGaT Center For Human Genetics Tuebingen Variant Classification Criteria Version 2. Collection method: clinical testing. Allele origin: germline. Affected: yes. Observed: 1 variant allele.
Comment: MYH11: PM2, PP3